The following is an entry in ClinVar:

NM_022455.5(NSD1):c.3068G>A (p.Arg1023Gln)

Gene: NSD1 (nuclear receptor binding SET domain protein 1; plus strand). Cytogenetic location: 5q35.3.
Variant type: single nucleotide variant.
Coding change: c.3068G>A on transcript NM_022455.5 (MANE Select); coding-DNA position 3068, G replaced by A.
Protein change: p.Arg1023Gln; replaces arginine 1023 with glutamine.
Molecular consequence: missense variant.
Genome position (GRCh38, 1-based): chr5:177,211,467, G>A. VCF-style: chr5-177211467-G-A. GRCh37 (hg19) VCF-style: chr5-176638468-G-A.
Other names: c.2195G>A, p.Arg732Gln (NM_001409309.1, NM_172349.5, NM_001365684.2 and 3 more transcripts); c.3068G>A, p.Arg1023Gln (NM_001409301.1, NM_001409302.1, NM_001409303.1); c.2648G>A, p.Arg883Gln (NM_001409304.1); c.2315G>A, p.Arg772Gln (NM_001409305.1); short protein forms R1023Q, R754Q, R732Q, R772Q, R883Q.
Identifiers: ClinVar variation 851389 (VCV000851389.11), dbSNP rs756022347, ClinGen allele CA3577369.
Genomic context (GRCh38, chr5:177,211,467, plus strand): 5'-GAGACCTCCCTGCTTCTGGTAAAAGTCGTTCAGACTGTGTTACTAGGCGCAACTGTGGAC[G>A]ATCAAAGCCTTCATCCAAATTGCGAGATGCTTTTTCAGCCCAAATGGTAAAGAACACAGT-3'
Protein context (NP_071900.2, residues 1013-1033): SDCVTRRNCG[Arg1023Gln]SKPSSKLRDA

ClinVar aggregate classification (germline): Conflicting classifications of pathogenicity. Review status: criteria provided, conflicting classifications (1 of 4 stars). 4 submissions from 3 submitters: Uncertain significance (2); Likely benign (1). 1 of the submissions does not count toward it. Last evaluated 2025-12-18.

Conditions:
NSD1-related disorder. Also called: NSD1-related condition.
Sotos syndrome (SOTOS). Also called: CEREBRAL GIGANTISM; CHROMOSOME 5q35 DELETION SYNDROME; SOTOS SYNDROME 1; Sotos' syndrome; Distinctive facial appearance, overgrowth in childhood, and learning disabilities or delayed development. Identifiers: Orphanet 821, MedGen C0175695, MONDO:0019349, OMIM 117550.

Allele frequency attached by ClinVar (database versions not stated): gnomAD 0.00005; TOPMed 0.00006.
gnomAD v4.1: 86 of 1,613,996 alleles (0.0053%); highest among the groups gnomAD compares: Non-Finnish European, 0.0067%; no homozygotes.

Submissions (4):

PreventionGenetics, part of Exact Sciences
Classification: Uncertain significance for NSD1-related condition. Last evaluated: 2025-12-18. Review status: criteria provided, single submitter. Criteria: ACMG Guidelines, 2015. Collection method: clinical testing. Allele origin: germline.
Comment: The NSD1 c.3068G>A variant is predicted to result in the amino acid substitution p.Arg1023Gln. This variant has been reported as a germline variant in an individual with breast cancer (Table S9, Yehia et al. 2018. PubMed ID: 29684080). This variant is reported in 0.0078% of alleles in individuals of European (Non-Finnish) descent in gnomAD. At this time, the clinical significance of this variant is uncertain due to the absence of conclusive functional and genetic evidence.

Labcorp Genetics (formerly Invitae), Labcorp
Classification: Likely benign. Last evaluated: 2022-10-21. Review status: criteria provided, single submitter. Criteria: Invitae Variant Classification Sherloc (09022015). Collection method: clinical testing. Allele origin: germline.

Fulgent Genetics
Classification: Uncertain significance for Sotos syndrome. Last evaluated: 2022-01-19. Review status: criteria provided, single submitter. Criteria: ACMG Guidelines, 2015. Collection method: clinical testing. Allele origin: unknown.

Labcorp Genetics (formerly Invitae), Labcorp
Classification: Likely benign. Last evaluated: 2022-10-21. Review status: flagged submission. Criteria: Invitae Variant Classification Sherloc (09022015). Collection method: clinical testing. Allele origin: germline. Not counted in ClinVar's aggregate classification.
ClinVar note: Reason: This record appears to be redundant with a more recent record from the same submitter.
ClinVar note: Notes: SCV002316014 appears to be redundant with SCV001220183.